The following is an entry in ClinVar:

NM_020461.4(TUBGCP6):c.3071G>A (p.Arg1024Gln)

Gene: TUBGCP6 (tubulin gamma complex component 6; minus strand). Cytogenetic location: 22q13.33.
Variant type: single nucleotide variant.
Coding change: c.3071G>A on transcript NM_020461.4 (MANE Select); coding-DNA position 3071, G replaced by A.
Protein change: p.Arg1024Gln; replaces arginine 1024 with glutamine.
Molecular consequence: missense variant.
Genome position (GRCh38, 1-based): chr22:50,221,288, C>T on the plus strand (G>A on the coding strand, the complement: TUBGCP6 is on the minus strand). VCF-style: chr22-50221288-C-T. GRCh37 (hg19) VCF-style: chr22-50659717-C-T.
Other names: short protein forms R1024Q.
Identifiers: ClinVar variation 1022270 (VCV001022270.10), dbSNP rs371211872, ClinGen allele CA10308059.

ClinVar aggregate classification (germline): Conflicting classifications of pathogenicity. Review status: criteria provided, conflicting classifications (1 of 4 stars). 3 submissions from 3 submitters: Uncertain significance (2); Likely benign (1). Last evaluated 2024-10-15.

Conditions:
Inborn genetic diseases. Identifiers: MedGen C0950123, MeSH D030342.

Allele frequency attached by ClinVar (database versions not stated): gnomAD exomes 0.00001 and 0.00002; TOPMed 0.00001; ExAC 0.00003; ESP Exome Variant Server 0.00008.
gnomAD v4.1: 8 of 1,613,802 alleles (0.0005%); highest among the groups gnomAD compares: South Asian, 0.0033%; no homozygotes.

Submissions (3):

Labcorp Genetics (formerly Invitae), Labcorp
Classification: Uncertain significance. Last evaluated: 2024-10-15. Review status: criteria provided, single submitter. Criteria: Invitae Variant Classification Sherloc (09022015). Collection method: clinical testing. Allele origin: germline.
Comment: This sequence change replaces arginine, which is basic and polar, with glutamine, which is neutral and polar, at codon 1024 of the TUBGCP6 protein (p.Arg1024Gln). This variant is present in population databases (rs371211872, gnomAD 0.007%). This variant has not been reported in the literature in individuals affected with TUBGCP6-related conditions. ClinVar contains an entry for this variant (Variation ID: 1022270). An algorithm developed to predict the effect of missense changes on protein structure and function outputs the following: PolyPhen-2: "Benign". The glutamine amino acid residue is found in multiple mammalian species, which suggests that this missense change does not adversely affect protein function. In summary, the available evidence is currently insufficient to determine the role of this variant in disease. Therefore, it has been classified as a Variant of Uncertain Significance.

Ambry Genetics
Classification: Likely benign for Inborn genetic diseases. Last evaluated: 2023-07-12. Review status: criteria provided, single submitter. Criteria: Ambry Variant Classification Scheme 2023. Collection method: clinical testing. Allele origin: germline.

GeneDx
Classification: Uncertain significance. Last evaluated: 2022-06-06. Review status: criteria provided, single submitter. Criteria: GeneDx Variant Classification Process June 2021. Collection method: clinical testing. Allele origin: germline. Affected: yes.
Comment: Not observed at significant frequency in large population cohorts (gnomAD); In silico analysis supports that this missense variant does not alter protein structure/function; Has not been previously published as pathogenic or benign to our knowledge